The following is an entry in ClinVar:

NM_002606.3(PDE9A):c.1085+1G>A

Gene: PDE9A (phosphodiesterase 9A; plus strand). Cytogenetic location: 21q22.3.
Variant type: single nucleotide variant.
Coding change: c.1085+1G>A on transcript NM_002606.3 (MANE Select); the canonical splice donor site of the intron after coding-DNA position 1085, G replaced by A.
Molecular consequence: splice donor variant.
Genome position (GRCh38, 1-based): chr21:42,760,908, G>A. VCF-style: chr21-42760908-G-A. GRCh37 (hg19) VCF-style: chr21-44181018-G-A.
Other names: c.761+1G>A (NM_001315533.2); c.926+1G>A (NM_001001570.2); c.905+1G>A (NM_001001567.2); c.1007+1G>A (NM_001001583.2); c.827+1G>A (NM_001001574.2); c.464+1G>A (NM_001001579.2, NM_001001585.2, NM_001001584.3 and 2 more transcripts); c.962+1G>A (NM_001001582.2); c.782+1G>A (NM_001001571.2); and 7 more.
Identifiers: ClinVar variation 91942 (VCV000091942.2), dbSNP rs386352388, ClinGen allele CA232212.
Genomic context (GRCh38, chr21:42,760,908, plus strand): 5'-CCTGATCCTAATGACAGCGGCCATCTGCCACGATCTGGACCATCCCGGCTACAACAACAC[G>A]TATGTACAGGATTTTCTCTTTTTTTCCTTTTAAAAGGCACCCTGGCTACTGGAGGGAACC-3'

ClinVar aggregate classification (germline): Uncertain significance (0 of 4 stars; one submission).

Allele frequency attached by ClinVar (database versions not stated): gnomAD 0.00001; gnomAD exomes 0.00002 and 0.00001; ESP Exome Variant Server 0.00008; TOPMed 0.00002; ExAC 0.00003.
gnomAD v4.1: 22 of 1,594,682 alleles (0.0014%); highest among the groups gnomAD compares: African/African-American, 0.0027%; no homozygotes.

Submission:

Richard Lifton Laboratory, Yale University School of Medicine
Classification: Uncertain significance. Review status: no assertion criteria provided. Collection method: not provided. Allele origin: somatic.
Comment: PDE9A
ClinVar note: Converted during submission from unknown to Uncertain significance.